The following is an entry in ClinVar:

NM_015331.3(NCSTN):c.636A>G (p.Leu212=)

Gene: NCSTN (nicastrin; plus strand). Cytogenetic location: 1q23.2.
Variant type: single nucleotide variant.
Coding change: c.636A>G on transcript NM_015331.3 (MANE Select); coding-DNA position 636, A replaced by G.
Protein change: p.Leu212=; no amino-acid change (leucine 212 retained).
Molecular consequence: synonymous variant. On other transcripts: intron variant (1).
Genome position (GRCh38, 1-based): chr1:160,351,275, A>G. VCF-style: chr1-160351275-A-G. GRCh37 (hg19) VCF-style: chr1-160321065-A-G.
Other names: c.576A>G, p.Leu192= (NM_001290184.2); c.636A>G, p.Leu212= (NM_001349729.2); c.582+1025A>G (NM_001290186.2).
Identifiers: ClinVar variation 403222 (VCV000403222.15), dbSNP rs12239747, ClinGen allele CA1198773.

ClinVar aggregate classification (germline): Benign/Likely benign. Review status: criteria provided, multiple submitters, no conflicts (2 of 4 stars). 4 submissions from 4 submitters: Benign (3); Likely benign (1). Last evaluated 2026-02-04.

Allele frequency attached by ClinVar (database versions not stated): gnomAD 0.10120 and 0.10503; 1000 Genomes Project 0.10284; 1000 Genomes Project 30x 0.10821; TOPMed 0.10938; ESP Exome Variant Server 0.11318.
gnomAD v4.1: 100,969 of 1,613,942 alleles (6.3%); highest among the groups gnomAD compares: African/African-American, 23%; 4,435 homozygotes.

Submissions (4):

Labcorp Genetics (formerly Invitae), Labcorp
Classification: Benign. Last evaluated: 2026-02-04. Review status: criteria provided, single submitter. Criteria: Invitae Variant Classification Sherloc (09022015). Collection method: clinical testing. Allele origin: germline.

Blueprint Genetics
Classification: Likely benign. Last evaluated: 2024-11-26. Review status: criteria provided, single submitter. Criteria: ACMG Guidelines, 2015. Collection method: clinical testing. Allele origin: germline.

Laboratory for Molecular Medicine, Mass General Brigham Personalized Medicine
Classification: Benign. Last evaluated: 2016-03-29. Review status: criteria provided, single submitter. Criteria: LMM Criteria. Collection method: clinical testing. Allele origin: germline.
Comment: Variant identified in a genome or exome case(s) and assessed due to predicted null impact of the variant or pathogenic assertions in the literature or databases. Disclaimer: This variant has not undergone full assessment. The following are preliminary notes: Frequency

Breakthrough Genomics
Classification: Benign. Review status: criteria provided, single submitter. Criteria: ACMG Guidelines, 2015. Collection method: not provided. Allele origin: germline. Inheritance: Autosomal dominant inheritance. Affected: yes.